The following is an entry in ClinVar:

ClinVar aggregate classification (germline): Uncertain significance. Review status: criteria provided, multiple submitters, no conflicts (2 of 4 stars). 2 submissions from 2 submitters: Uncertain significance (2). Last evaluated 2025-10-13.

Conditions:
Hereditary cancer-predisposing syndrome. Also called: Neoplastic Syndromes, Hereditary; Tumor predisposition; Hereditary Cancer Syndrome; Hereditary neoplastic syndrome. Identifiers: Orphanet 140162, MedGen C0027672, MeSH D009386, MONDO:0015356.

Submissions (2):

Labcorp Genetics (formerly Invitae), Labcorp
Classification: Uncertain significance. Last evaluated: 2025-10-13. Review status: criteria provided, single submitter. Criteria: Invitae Variant Classification Sherloc (09022015). Collection method: clinical testing. Allele origin: germline.
Comment: This sequence change replaces arginine, which is basic and polar, with tryptophan, which is neutral and slightly polar, at codon 376 of the CTNNA1 protein (p.Arg376Trp). This variant is not present in population databases (gnomAD no frequency). This variant has not been reported in the literature in individuals affected with CTNNA1-related conditions. ClinVar contains an entry for this variant (Variation ID: 1799144). Invitae Evidence Modeling of protein sequence and biophysical properties (such as structural, functional, and spatial information, amino acid conservation, physicochemical variation, residue mobility, and thermodynamic stability) indicates that this missense variant is expected to disrupt CTNNA1 protein function with a positive predictive value of 80%. In summary, the available evidence is currently insufficient to determine the role of this variant in disease. Therefore, it has been classified as a Variant of Uncertain Significance.

Ambry Genetics
Classification: Uncertain significance for Hereditary cancer-predisposing syndrome. Last evaluated: 2021-12-12. Review status: criteria provided, single submitter. Criteria: Ambry Variant Classification Scheme 2023. Collection method: clinical testing. Allele origin: germline.
Comment: The p.R376W variant (also known as c.1126A>T), located in coding exon 7 of the CTNNA1 gene, results from an A to T substitution at nucleotide position 1126. The arginine at codon 376 is replaced by tryptophan, an amino acid with dissimilar properties. This amino acid position is conserved. In addition, the in silico prediction for this alteration is inconclusive. Since supporting evidence is limited at this time, the clinical significance of this alteration remains unclear.

NM_001903.5(CTNNA1):c.1126A>T (p.Arg376Trp)

Gene: CTNNA1 (catenin alpha 1; plus strand). Cytogenetic location: 5q31.2.
Variant type: single nucleotide variant.
Coding change: c.1126A>T on transcript NM_001903.5 (MANE Select); coding-DNA position 1126, A replaced by T.
Protein change: p.Arg376Trp; replaces arginine 376 with tryptophan.
Molecular consequence: missense variant. On other transcripts: 5 prime UTR variant (5), intron variant (2).
Genome position (GRCh38, 1-based): chr5:138,886,275, A>T. VCF-style: chr5-138886275-A-T. GRCh37 (hg19) VCF-style: chr5-138221964-A-T.
Other names: c.1126A>T, p.Arg376Trp (NM_001323985.2, NM_001323986.2, NM_001290307.3 and 3 more transcripts); c.16A>T, p.Arg6Trp (NM_001323989.1, NM_001323990.1, NM_001323991.1 and 18 more transcripts); c.817A>T, p.Arg273Trp (NM_001290309.3); c.757A>T, p.Arg253Trp (NM_001290310.3); c.-382A>T (NM_001324006.1, NM_001324007.1, NM_001324008.1 and 1 more transcripts); c.-257A>T (NM_001324013.1); c.-58+10678A>T (NM_001324012.1); c.-61+10678A>T (NM_001324010.1); short protein forms R253W, R376W, R6W, R273W.
Identifiers: ClinVar variation 1799144 (VCV001799144.5), dbSNP rs2532981852, ClinGen allele CA361132612.